The following is an entry in ClinVar:

NM_001374736.1(DST):c.15977A>G (p.Lys5326Arg)

Gene: DST (dystonin; minus strand). Cytogenetic location: 6p12.1.
Variant type: single nucleotide variant.
Coding change: c.15977A>G on transcript NM_001374736.1 (MANE Select); coding-DNA position 15977, A replaced by G.
Protein change: p.Lys5326Arg; replaces lysine 5326 with arginine.
Molecular consequence: missense variant.
Genome position (GRCh38, 1-based): chr6:56,552,815, T>C on the plus strand (A>G on the coding strand, the complement: DST is on the minus strand). VCF-style: chr6-56552815-T-C. GRCh37 (hg19) VCF-style: chr6-56417613-T-C.
Other names: c.9620A>G, p.Lys3207Arg (NM_001144769.5); c.9206A>G, p.Lys3069Arg (NM_001144770.2); c.15977A>G, p.Lys5326Arg (NM_001374722.1); c.15344A>G, p.Lys5115Arg (NM_001374729.1); c.9086A>G, p.Lys3029Arg (NM_001374730.1, NM_001386100.1, NM_183380.4); c.16004A>G, p.Lys5335Arg (NM_001374734.1); c.8108A>G, p.Lys2703Arg (NM_015548.5); short protein forms K3207R, K5326R, K3069R, K5115R, K2703R, K3029R, K5335R.
Identifiers: ClinVar variation 4786946 (VCV004786946.1).

ClinVar aggregate classification (germline): Uncertain significance (1 of 4 stars; one submission).

Conditions:
Epidermolysis bullosa simplex 3, localized or generalized intermediate, with BP230 deficiency (EBS3). Also called: Epidermolysis bullosa simplex, autosomal recessive 2; Epidermolysis bullosa simplex due to BP230 deficiency. Identifiers: Orphanet 412181, MedGen C3809470, MONDO:0014180, OMIM 615425.
Hereditary sensory and autonomic neuropathy type 6. Also called: HSAN VI; Neuropathy, hereditary sensory and autonomic, type VI. Identifiers: Orphanet 314381, MedGen C3539003, MONDO:0013839, OMIM 614653.

Submission:

Labcorp Genetics (formerly Invitae), Labcorp
Classification: Uncertain significance for Epidermolysis bullosa simplex 3, localized or generalized intermediate, with BP230 deficiency; Hereditary sensory and autonomic neuropathy type 6. Last evaluated: 2025-12-14. Review status: criteria provided, single submitter. Criteria: Invitae Variant Classification Sherloc (09022015). Collection method: clinical testing. Allele origin: germline.
Comment: The DST gene has multiple clinically relevant transcripts. This variant occurs in alternate transcript NM_015548.4, and corresponds to NM_001723.5:c.*62702A>G in the primary transcript. This sequence change replaces lysine, which is basic and polar, with arginine, which is basic and polar, at codon 2703 of the DST protein (p.Lys2703Arg). This variant is not present in population databases (gnomAD no frequency). This variant has not been reported in the literature in individuals affected with DST-related conditions. Experimental studies and prediction algorithms are not available or were not evaluated, and the functional significance of this variant is currently unknown. In summary, the available evidence is currently insufficient to determine the role of this variant in disease. Therefore, it has been classified as a Variant of Uncertain Significance.